The following is an entry in ClinVar:

ClinVar aggregate classification (germline): Uncertain significance (1 of 4 stars; one submission).

Conditions:
Spastic paraplegia. Identifiers: MedGen C0037772, HP:0001258.

gnomAD v4.1: 5 of 1,614,066 alleles (0.00031%); highest among the groups gnomAD compares: Admixed American, 0.0033%; no homozygotes.

Submission:

Labcorp Genetics (formerly Invitae), Labcorp
Classification: Uncertain significance for Spastic paraplegia. Last evaluated: 2025-04-21. Review status: criteria provided, single submitter. Criteria: Invitae Variant Classification Sherloc (09022015). Collection method: clinical testing. Allele origin: germline.
Comment: This sequence change replaces valine, which is neutral and non-polar, with leucine, which is neutral and non-polar, at codon 2023 of the ZFYVE26 protein (p.Val2023Leu). This variant is present in population databases (rs748638700, gnomAD 0.006%). This variant has not been reported in the literature in individuals affected with ZFYVE26-related conditions. ClinVar contains an entry for this variant (Variation ID: 2020331). An algorithm developed to predict the effect of missense changes on protein structure and function (PolyPhen-2) suggests that this variant is likely to be tolerated. In summary, the available evidence is currently insufficient to determine the role of this variant in disease. Therefore, it has been classified as a Variant of Uncertain Significance.

NM_015346.4(ZFYVE26):c.6067G>C (p.Val2023Leu)

Gene: ZFYVE26 (zinc finger FYVE-type containing 26; minus strand). Cytogenetic location: 14q24.1.
Variant type: single nucleotide variant.
Coding change: c.6067G>C on transcript NM_015346.4 (MANE Select); coding-DNA position 6067, G replaced by C.
Protein change: p.Val2023Leu; replaces valine 2023 with leucine.
Molecular consequence: missense variant.
Genome position (GRCh38, 1-based): chr14:67,762,764, C>G on the plus strand (G>C on the coding strand, the complement: ZFYVE26 is on the minus strand). VCF-style: chr14-67762764-C-G. GRCh37 (hg19) VCF-style: chr14-68229481-C-G.
Other names: short protein forms V2023L.
Identifiers: ClinVar variation 2020331 (VCV002020331.2), dbSNP rs748638700, ClinGen allele CA7239315.